The following is an entry in ClinVar:

ClinVar aggregate classification (germline): Conflicting classifications of pathogenicity. Review status: criteria provided, conflicting classifications (1 of 4 stars). 15 submissions from 15 submitters: Uncertain significance (2); Benign (1); Likely benign (6). 6 of the submissions do not count toward it. Last evaluated 2025-07-09.

Conditions:
BRCA2-related cancer predisposition. Identifiers: MedGen CN377758, MONDO:0700269.
Malignant tumor of pancreas. Also called: Cancer of the pancreas; Pancreatic cancer; Malignant pancreatic neoplasm. Identifiers: MedGen C0346647, MONDO:0009831.
Gastric cancer. Also called: Stomach cancer; Malignant tumor of stomach. Identifiers: MedGen C0024623, MeSH D013274, MONDO:0001056, OMIM 613659, HP:0012126.
Hereditary cancer-predisposing syndrome. Also called: Hereditary Cancer Syndrome; Neoplastic Syndromes, Hereditary; Hereditary neoplastic syndrome; Tumor predisposition. Identifiers: Orphanet 140162, MedGen C0027672, MeSH D009386, MONDO:0015356.
Hereditary breast ovarian cancer syndrome. Also called: Hereditary breast and ovarian cancer syndrome; Breast and ovarian cancer; BRCA1- and BRCA2-Associated Hereditary Breast and Ovarian Cancer; Hereditary breast and/or ovarian cancer syndrome; Hereditary breast and ovarian cancer; Hereditary breast and ovarian cancer syndrome (HBOC). Identifiers: Orphanet 145, MedGen C0677776, MeSH D061325, MONDO:0003582. Disease mechanism: loss of function.
Breast-ovarian cancer, familial, susceptibility to, 2 (BROVCA2). Also called: BRCA2 Hereditary Breast and Ovarian Cancer. Identifiers: Orphanet 145, MedGen C2675520, MONDO:0012933, OMIM 612555. Disease mechanism: loss of function.
Familial cancer of breast. Also called: hereditary breast carcinoma; Hereditary breast cancer; BREAST CANCER, FAMILIAL. Identifiers: Orphanet 227535, MedGen C0346153, MONDO:0016419, OMIM 114480. Disease mechanism: loss of function.

Allele frequency attached by ClinVar (database versions not stated): gnomAD 0.00001; ExAC 0.00002; gnomAD exomes 0.00001.
gnomAD v4.1: 11 of 1,614,022 alleles (0.00068%); highest among the groups gnomAD compares: East Asian, 0.013%; no homozygotes.

Submissions (15):

Labcorp Genetics (formerly Invitae), Labcorp
Classification: Likely benign for Hereditary breast ovarian cancer syndrome. Last evaluated: 2025-07-09. Review status: criteria provided, single submitter. Criteria: Invitae Variant Classification Sherloc (09022015). Collection method: clinical testing. Allele origin: germline.

Quest Diagnostics Nichols Institute San Juan Capistrano
Classification: Likely benign. Last evaluated: 2025-07-08. Review status: criteria provided, single submitter. Criteria: Quest Diagnostics criteria. Collection method: clinical testing. Allele origin: unknown.

All of Us Research Program, National Institutes of Health
Classification: Likely benign for BRCA2-related cancer predisposition. Last evaluated: 2024-04-16. Review status: criteria provided, single submitter. Criteria: ACMG Guidelines, 2015. Collection method: clinical testing. Allele origin: germline. Inheritance: Autosomal dominant inheritance. Observed: 1 variant allele, 1 heterozygote.
Comment: This study involves interpretation of variants in research participants for the purpose of population health screening. Participant phenotype was not available at the time of variant classification. Additional details can be found in publication PMID: 35346344, PMCID: PMC8962531

Sema4
Classification: Uncertain significance for Hereditary cancer-predisposing syndrome. Last evaluated: 2021-05-28. Review status: criteria provided, single submitter. Criteria: Sema4 Curation Guidelines. Collection method: curation. Allele origin: germline.
Comment: The BRCA2 c.10150C>T (p.R3384X) variant has been reported in heterozygosity in at least 14 individuals with hereditary breast and/or ovarian cancer, at least one individual with pancreatic cancer, and in ethically matched controls without a personal history of cancer (PMID: 17100994, 20104584, 22970155, 25863477, 27701467, 28825143, 30287823, 30702160). This variant is located in the last exon and creates a premature stop codon at residue 3384 of the BRCA2 protein. At this location, this is not predicted to cause nonsense-mediated decay, thus, the protein is expected to be truncated. It was observed in 4/19952 chromosomes in the East Asian subpopulation in the large and broad cohorts of the Genome Aggregation Database (PMID: 32461654). The variant has been reported in ClinVar (Variation ID: 51049). The evidence is insufficient to meet ACMG/AMP criteria for classifying the variant as benign or pathogenic. Thus, the clinical significance of this variant is currently uncertain.

Mendelics
Classification: Benign for Breast-ovarian cancer, familial, susceptibility to, 2. Last evaluated: 2019-05-28. Review status: criteria provided, single submitter. Criteria: Mendelics Assertion Criteria 2017. Collection method: clinical testing. Allele origin: unknown.

Ambry Genetics
Classification: Likely benign for Hereditary cancer-predisposing syndrome. Last evaluated: 2018-11-15. Review status: criteria provided, single submitter. Criteria: Ambry Variant Classification Scheme 2023. Collection method: clinical testing. Allele origin: germline.

GeneDx
Classification: Likely benign. Last evaluated: 2018-03-30. Review status: criteria provided, single submitter. Criteria: GeneDx Variant Classification Process June 2021. Collection method: clinical testing. Allele origin: germline. Affected: yes.
Comment: This variant is associated with the following publications: (PMID: 25863477, 17100994, 27882536, 29192238, 16949048, 20104584, 27157322, 22970155, 27701467, 28825143, 30720863, 30287823, 29446198, 31666926, 29625052)

Women's Health and Genetics/Laboratory Corporation of America, LabCorp
Classification: Uncertain significance. Last evaluated: 2017-12-21. Review status: criteria provided, single submitter. Criteria: LabCorp Variant Classification Summary - May 2015. Collection method: clinical testing. Allele origin: germline.
Comment: Variant summary: The BRCA2 c.10150C>T (p.Arg3384X) variant results in truncation of the last 35 amino acids in the last exon; therefore it is unexpected to cause nonsense-mediated decay. Truncations downstream of this position have not been classified as pathogenic by our laboratory and others in ClinVar. This variant was found in 4/277292 control chromosomes (gnomAD and publication controls) at a frequency of 0.0000144, which does not exceed the estimated maximal expected allele frequency of a pathogenic BRCA2 variant (0.0007503). The BRCA2 c.9976A>T (p.Lys3326*) variant, located upstream of this variant and also in the last exon of the gene, is a known benign variant suggesting that the truncation of the last 93 amino acids of BRCA2 is unlikely to be pathogenic for breast and/or ovarian cancer. One individual reported in a database (UMD) carrying this variant also carried a premature truncating variant in BRCA1 c.2205delA (Glu736LysfsX17), further supporting for the benign outcome. This variant has been reported in several breast and/or ovarian cancer patients without strong evidence for or against pathogenicity (Han_2006, Borg_2010, Kwong_2012, Choi_2015, Kang_2015, Hayano_2016, Loizidou_2017, Kwong_2016, Zhang_2017, Yamaguchi-Kabata_2017). In one breast cancer patient carrying this variant, another missense variant in PALB2 variant was also detected (Zhang_2017). The publications classify this variant as pathogenic and uncertain significance. Multiple clinical diagnostic laboratories have recently classified this variant as likely benign (2) as well as uncertain significance (1). Taken together this variant is classified as Variant of Unknown Significance-Possibly Benign.

Color Diagnostics, LLC DBA Color Health
Classification: Likely benign for Hereditary cancer-predisposing syndrome. Last evaluated: 2017-10-02. Review status: criteria provided, single submitter. Criteria: ACMG Guidelines, 2015. Collection method: clinical testing. Allele origin: germline.

Department of Medical and Surgical Sciences, University of Bologna
Classification: Uncertain significance for Breast-ovarian cancer, familial, susceptibility to, 2. Last evaluated: 2023-09-01. Review status: no assertion criteria provided. Collection method: clinical testing. Allele origin: germline. Affected: yes. Not counted in ClinVar's aggregate classification.
Comment: BS1(Supporting) according to ACMG/AMP classification guidelines specified for BRCA1 & BRCA2 (Classification Criteria V1.0.0 2023-09-08) (PMID: 38160042)

Laboratory for Genotyping Development, RIKEN
Classification: Pathogenic for Gastric cancer. Last evaluated: 2021-07-01. Review status: no assertion criteria provided. Collection method: research. Allele origin: germline. Not counted in ClinVar's aggregate classification.

3DMed Clinical Laboratory Inc
Classification: Uncertain significance for Cancer of the pancreas. Last evaluated: 2017-10-09. Review status: no assertion criteria provided. Criteria: ACMG Guidelines, 2015. Collection method: clinical testing. Allele origin: germline. Affected: yes. Not counted in ClinVar's aggregate classification.

Cancer Genetics and Genomics Laboratory, British Columbia Cancer Agency
Classification: Uncertain significance for Hereditary breast ovarian cancer syndrome. Last evaluated: 2016-04-14. Review status: no assertion criteria provided. Collection method: clinical testing. Allele origin: germline. Study: The Canadian Open Genetics Repository (COGR). Not counted in ClinVar's aggregate classification.

Breast Cancer Information Core (BIC) (BRCA2)
Classification: Uncertain significance for Breast-ovarian cancer, familial 2. Last evaluated: 2013-02-20. Review status: no assertion criteria provided. Collection method: clinical testing. Allele origin: somatic. Affected: yes. Observed: 1 variant allele. Not counted in ClinVar's aggregate classification.

Center for Precision Medicine, Meizhou People's Hospital
Classification: Likely benign for Familial cancer of breast. Review status: no assertion criteria provided. Collection method: literature only. Allele origin: germline. Affected: yes. Not counted in ClinVar's aggregate classification.

Literature cited by the submitters: PubMed 32455662 (cited by Quest Diagnostics Nichols Institute San Juan Capistrano); PubMed 35918668 (cited by Quest Diagnostics Nichols Institute San Juan Capistrano); PubMed 36451132 (cited by Quest Diagnostics Nichols Institute San Juan Capistrano); PubMed 34645131 (cited by Quest Diagnostics Nichols Institute San Juan Capistrano); PubMed 35218119 (cited by Quest Diagnostics Nichols Institute San Juan Capistrano); PubMed 36243179 (cited by Quest Diagnostics Nichols Institute San Juan Capistrano); PubMed 38160042 (cited by Quest Diagnostics Nichols Institute San Juan Capistrano); PubMed 27701467 (cited by 3 submitters); PubMed 26402875 (cited by Quest Diagnostics Nichols Institute San Juan Capistrano and Women's Health and Genetics/Laboratory Corporation of America, LabCorp); PubMed 22970155 (cited by 3 submitters); PubMed 8896551 (cited by Quest Diagnostics Nichols Institute San Juan Capistrano and Ambry Genetics); PubMed 30720863 (cited by Quest Diagnostics Nichols Institute San Juan Capistrano); PubMed 31825140 (cited by Quest Diagnostics Nichols Institute San Juan Capistrano); PubMed 29625052 (cited by Quest Diagnostics Nichols Institute San Juan Capistrano); PubMed 29446198 (cited by Quest Diagnostics Nichols Institute San Juan Capistrano); PubMed 31666926 (cited by Quest Diagnostics Nichols Institute San Juan Capistrano); PubMed 20104584 (cited by 5 submitters); PubMed 16949048 (cited by 3 submitters); PubMed 25863477 (cited by 5 submitters); PubMed 17100994 (cited by 3 submitters); PubMed 29487695 (cited by Quest Diagnostics Nichols Institute San Juan Capistrano); PubMed 27882536 (cited by Quest Diagnostics Nichols Institute San Juan Capistrano and Women's Health and Genetics/Laboratory Corporation of America, LabCorp); PubMed 28825143 (cited by Sema4); PubMed 30287823 (cited by Sema4); PubMed 30702160 (cited by Sema4); PubMed 23265383 (cited by Women's Health and Genetics/Laboratory Corporation of America, LabCorp); PubMed 27157322 (cited by Women's Health and Genetics/Laboratory Corporation of America, LabCorp); PubMed 36988593 (cited by Laboratory for Genotyping Development, RIKEN).

NM_000059.4(BRCA2):c.10150C>T (p.Arg3384Ter)

Gene: BRCA2 (BRCA2 DNA repair associated; plus strand). Cytogenetic location: 13q13.1.
Variant type: single nucleotide variant.
Coding change: c.10150C>T on transcript NM_000059.4 (MANE Select); coding-DNA position 10150, C replaced by T.
Protein change: p.Arg3384Ter; replaces arginine 3384 with a stop codon.
Molecular consequence: nonsense.
Genome position (GRCh38, 1-based): chr13:32,398,663, C>T. VCF-style: chr13-32398663-C-T. GRCh37 (hg19) VCF-style: chr13-32972800-C-T.
Other names: short protein forms R3384*.
Identifiers: ClinVar variation 51049 (VCV000051049.39), dbSNP rs397507568, ClinGen allele CA010347.